The following is an entry in ClinVar:

NM_007294.4(BRCA1):c.5074+760G>A

Gene: BRCA1 (BRCA1 DNA repair associated; minus strand). Cytogenetic location: 17q21.31.
Variant type: single nucleotide variant.
Coding change: c.5074+760G>A on transcript NM_007294.4 (MANE Select); 760 bases into the intron after coding-DNA position 5074, G replaced by A.
Molecular consequence: intron variant.
Genome position (GRCh38, 1-based): chr17:43,066,848, C>T on the plus strand (G>A on the coding strand, the complement: BRCA1 is on the minus strand). VCF-style: chr17-43066848-C-T. GRCh37 (hg19) VCF-style: chr17-41218865-C-T.
Other names: c.1621+760G>A (NM_001408458.1, NM_001408461.1, NM_001408464.1 and 7 more transcripts); c.4183+760G>A (NM_001407967.1); c.4693+760G>A (NM_001407959.1); c.4807+760G>A (NM_001407931.1, NM_001407932.1, NM_001407928.1 and 4 more transcripts); c.4930+760G>A (NM_001407747.1, NM_001407745.1, NM_001407737.1 and 21 more transcripts); c.4690+760G>A (NM_001407962.1, NM_001407960.1); c.1261+760G>A (NM_001408512.1); c.1384+760G>A (NM_001408510.1); and 71 more.
Identifiers: ClinVar variation 264788 (VCV000264788.2), dbSNP rs533045755, ClinGen allele CA10588204.
Genomic context (GRCh38, chr17:43,066,848, plus strand): 5'-ATCTCAGCTCACCACCCTCCAAACCTTTTTTTTTTTTTTTTTTTTTTGAGACAAGAATCT[C>T]GCTCTTGTCCCCAGGCTGGAGTGCAATGGTGCGATCTTGGGTCACTGCAACCTCCACCTC-3'

ClinVar aggregate classification (germline): Benign (3 of 4 stars; one submission).

Conditions:
Breast-ovarian cancer, familial, susceptibility to, 1 (BROVCA1). Also called: BRCA1 Hereditary Breast and Ovarian Cancer; OVARIAN CANCER, SUSCEPTIBILITY TO. Identifiers: Orphanet 145, MedGen C2676676, MONDO:0011450, OMIM 604370. Disease mechanism: loss of function.

Allele frequency attached by ClinVar (database versions not stated): gnomAD 0.00005 and 0.00085; TOPMed 0.00017; 1000 Genomes Project 30x 0.00734; 1000 Genomes Project 0.00779.

Submission:

Evidence-based Network for the Interpretation of Germline Mutant Alleles (ENIGMA)
Classification: Benign for Breast-ovarian cancer, familial, susceptibility to, 1. Last evaluated: 2016-09-28. Review status: reviewed by expert panel. Criteria: ENIGMA BRCA1/2 Classification Criteria (2015). Collection method: curation. Allele origin: germline.
Comment: Class 1 not pathogenic based on frequency >1% in an outbred sampleset. Frequency 0.0399 (South Asian), derived from 1000 genomes (2013-05-02).